The following is an entry in ClinVar:

NM_015158.5(KANK1):c.2063C>T (p.Thr688Met)

Gene: KANK1 (KN motif and ankyrin repeat domains 1; plus strand). Cytogenetic location: 9p24.3.
Variant type: single nucleotide variant.
Coding change: c.2063C>T on transcript NM_015158.5 (MANE Select); coding-DNA position 2063, C replaced by T.
Protein change: p.Thr688Met; replaces threonine 688 with methionine.
Molecular consequence: missense variant. On other transcripts: non-coding transcript variant (1).
Genome position (GRCh38, 1-based): chr9:712,829, C>T. VCF-style: chr9-712829-C-T. GRCh37 (hg19) VCF-style: chr9-712829-C-T.
Other names: c.2063C>T, p.Thr688Met (NM_001256876.3, NM_001256877.3, NM_001354331.2 and 2 more transcripts); c.1589C>T, p.Thr530Met (NM_001354333.2, NM_001354335.2, NM_001354336.2 and 9 more transcripts); c.2063C>T (NM_015158.2); short protein forms T530M, T688M.
Identifiers: ClinVar variation 1381409 (VCV001381409.10), dbSNP rs146648084, ClinGen allele CA4960408.

ClinVar aggregate classification (germline): Uncertain significance. Review status: criteria provided, multiple submitters, no conflicts (2 of 4 stars). 3 submissions from 3 submitters: Uncertain significance (3). Last evaluated 2026-01-05.

Conditions:
Cerebral palsy, spastic quadriplegic, 2 (CPSQ2). Identifiers: Orphanet 210141, MedGen C2752061, MONDO:0013033, OMIM 612900.

Allele frequency attached by ClinVar (database versions not stated): gnomAD exomes 0.00007 and 0.00011; gnomAD 0.00015; ExAC 0.00016; TOPMed 0.00018; ESP Exome Variant Server 0.00031.
gnomAD v4.1: 124 of 1,613,750 alleles (0.0077%); highest among the groups gnomAD compares: African/African-American, 0.04%; no homozygotes.

Submissions (3):

Labcorp Genetics (formerly Invitae), Labcorp
Classification: Uncertain significance. Last evaluated: 2026-01-05. Review status: criteria provided, single submitter. Criteria: Invitae Variant Classification Sherloc (09022015). Collection method: clinical testing. Allele origin: germline.
Comment: This sequence change replaces threonine, which is neutral and polar, with methionine, which is neutral and non-polar, at codon 688 of the KANK1 protein (p.Thr688Met). This variant is present in population databases (rs146648084, gnomAD 0.04%). This variant has not been reported in the literature in individuals affected with KANK1-related conditions. ClinVar contains an entry for this variant (Variation ID: 1381409). Invitae Evidence Modeling of protein sequence and biophysical properties (such as structural, functional, and spatial information, amino acid conservation, physicochemical variation, residue mobility, and thermodynamic stability) indicates that this missense variant is not expected to disrupt KANK1 protein function with a negative predictive value of 80%. In summary, the available evidence is currently insufficient to determine the role of this variant in disease. Therefore, it has been classified as a Variant of Uncertain Significance.

Ambry Genetics
Classification: Uncertain significance. Last evaluated: 2023-02-01. Review status: criteria provided, single submitter. Criteria: Ambry Variant Classification Scheme 2023. Collection method: clinical testing. Allele origin: germline.

Fulgent Genetics
Classification: Uncertain significance for Cerebral palsy, spastic quadriplegic, 2. Last evaluated: 2022-05-10. Review status: criteria provided, single submitter. Criteria: ACMG Guidelines, 2015. Collection method: clinical testing. Allele origin: unknown.